The following is an entry in ClinVar:

ClinVar aggregate classification (germline): Likely pathogenic (1 of 4 stars; one submission).

Submission:

Labcorp Genetics (formerly Invitae), Labcorp
Classification: Likely pathogenic. Last evaluated: 2023-08-27. Review status: criteria provided, single submitter. Criteria: Invitae Variant Classification Sherloc (09022015). Collection method: clinical testing. Allele origin: unknown.
Comment: A copy number gain of the genomic region encompassing the full coding sequence of the NEXMIF gene has been identified. The boundaries of this event are unknown as they extend beyond the assayed region for this gene and therefore may encompass additional genes. As the precise location of this event is unknown, it may be in tandem or it may be located elsewhere in the genome. A similar copy number variant has been observed in individual(s) with intellectual disability and autism (PMID: 25394356). It has also been observed to segregate with disease in related individuals. Studies have shown that a similar copy number variant alters NEXMIF gene expression (PMID: 25394356). In summary, the currently available evidence indicates that the variant is pathogenic, but additional data are needed to prove that conclusively. Therefore, this variant has been classified as Likely Pathogenic.

Literature cited by the submitters: PubMed 25394356.

NC_000023.10:g.(?_73641473)_(73965485_?)dup

Genes: NEXMIF (neurite extension and migration factor; minus strand), RLIM (ring finger protein, LIM domain interacting; minus strand), SLC16A2 (solute carrier family 16 member 2; plus strand). Cytogenetic location: Xq13.2-13.3.
Variant type: Duplication.
Identifiers: ClinVar variation 3246375 (VCV003246375.1).